The following is an entry in ClinVar:

ClinVar aggregate classification (germline): Uncertain significance. Review status: criteria provided, multiple submitters, no conflicts (2 of 4 stars). 3 submissions from 3 submitters: Uncertain significance (3). Last evaluated 2025-03-19.

Conditions:
Epidermolysis bullosa simplex 3, localized or generalized intermediate, with BP230 deficiency (EBS3). Also called: Epidermolysis bullosa simplex due to BP230 deficiency; Epidermolysis bullosa simplex, autosomal recessive 2. Identifiers: Orphanet 412181, MedGen C3809470, MONDO:0014180, OMIM 615425.
Hereditary sensory and autonomic neuropathy type 6. Also called: Neuropathy, hereditary sensory and autonomic, type VI; HSAN VI. Identifiers: Orphanet 314381, MedGen C3539003, MONDO:0013839, OMIM 614653.
Inborn genetic diseases. Identifiers: MedGen C0950123, MeSH D030342.

Allele frequency attached by ClinVar (database versions not stated): gnomAD 0.00001; gnomAD exomes 0.00001 and 0.00002; ExAC 0.00003; TOPMed 0.00004; ESP Exome Variant Server 0.00008.
gnomAD v4.1: 19 of 1,613,200 alleles (0.0012%); highest among the groups gnomAD compares: Middle Eastern, 0.016%; no homozygotes.

Submissions (3):

Mayo Clinic Laboratories, Mayo Clinic
Classification: Uncertain significance. Last evaluated: 2025-03-19. Review status: criteria provided, single submitter. Criteria: ACMG Guidelines, 2015. Collection method: clinical testing. Allele origin: germline. Observed: 2 variant alleles.
Comment: BP4, PM2_supporting

Labcorp Genetics (formerly Invitae), Labcorp
Classification: Uncertain significance for Epidermolysis bullosa simplex 3, localized or generalized intermediate, with BP230 deficiency; Hereditary sensory and autonomic neuropathy type 6. Last evaluated: 2022-03-08. Review status: criteria provided, single submitter. Criteria: Invitae Variant Classification Sherloc (09022015). Collection method: clinical testing. Allele origin: germline.
Comment: The DST gene has multiple clinically relevant transcripts. This variant occurs in alternate transcript NM_015548.4, and corresponds to NM_001723.5:c.*132701G>A in the primary transcript. This sequence change replaces arginine, which is basic and polar, with glutamine, which is neutral and polar, at codon 4467 of the DST protein (p.Arg4467Gln). This variant is present in population databases (rs377289456, gnomAD 0.005%). This variant has not been reported in the literature in individuals affected with DST-related conditions. Experimental studies and prediction algorithms are not available or were not evaluated, and the functional significance of this variant is currently unknown. In summary, the available evidence is currently insufficient to determine the role of this variant in disease. Therefore, it has been classified as a Variant of Uncertain Significance.

Ambry Genetics
Classification: Uncertain significance for Inborn genetic diseases. Last evaluated: 2021-11-19. Review status: criteria provided, single submitter. Criteria: Ambry Variant Classification Scheme 2023. Collection method: clinical testing. Allele origin: germline.
Comment: The p.R4971Q variant (also known as c.14912G>A), located in coding exon 83 of the DST gene, results from a G to A substitution at nucleotide position 14912. The arginine at codon 4971 is replaced by glutamine, an amino acid with highly similar properties. This amino acid position is highly conserved in available vertebrate species. In addition, the in silico prediction for this alteration is inconclusive. Since supporting evidence is limited at this time, the clinical significance of this alteration remains unclear.

NM_001374736.1(DST):c.21269G>A (p.Arg7090Gln)

Gene: DST (dystonin; minus strand). Cytogenetic location: 6p12.1.
Variant type: single nucleotide variant.
Coding change: c.21269G>A on transcript NM_001374736.1 (MANE Select); coding-DNA position 21269, G replaced by A.
Protein change: p.Arg7090Gln; replaces arginine 7090 with glutamine.
Molecular consequence: missense variant.
Genome position (GRCh38, 1-based): chr6:56,482,816, C>T on the plus strand (G>A on the coding strand, the complement: DST is on the minus strand). VCF-style: chr6-56482816-C-T. GRCh37 (hg19) VCF-style: chr6-56347614-C-T.
Other names: p.Arg4467Gln; c.14912G>A, p.Arg4971Gln (NM_001144769.5); c.14498G>A, p.Arg4833Gln (NM_001144770.2); c.21269G>A, p.Arg7090Gln (NM_001374722.1); c.20309G>A, p.Arg6770Gln (NM_001374729.1); c.14051G>A, p.Arg4684Gln (NM_001374730.1); c.21296G>A, p.Arg7099Gln (NM_001374734.1); c.14378G>A, p.Arg4793Gln (NM_001386100.1, NM_183380.4); and 1 more; short protein forms R4684Q, R4793Q, R7099Q, R4971Q, R6770Q, R4467Q, R4833Q, R7090Q.
Identifiers: ClinVar variation 1423486 (VCV001423486.6), dbSNP rs377289456, ClinGen allele CA3866541.